The following is an entry in ClinVar:

NM_001563.4(IMPG1):c.366A>C (p.Glu122Asp)

Gene: IMPG1 (interphotoreceptor matrix proteoglycan 1; minus strand). Cytogenetic location: 6q14.1.
Variant type: single nucleotide variant.
Coding change: c.366A>C on transcript NM_001563.4 (MANE Select); coding-DNA position 366, A replaced by C.
Protein change: p.Glu122Asp; replaces glutamic acid 122 with aspartic acid.
Molecular consequence: missense variant.
Genome position (GRCh38, 1-based): chr6:76,034,723, T>G on the plus strand (A>C on the coding strand, the complement: IMPG1 is on the minus strand). VCF-style: chr6-76034723-T-G. GRCh37 (hg19) VCF-style: chr6-76744440-T-G.
Other names: c.132A>C, p.Glu44Asp (NM_001282368.2); c.366A>C (NM_001563.2); short protein forms E122D, E44D.
Identifiers: ClinVar variation 1058004 (VCV001058004.10), dbSNP rs1187822123, ClinGen allele CA364780521.
Genomic context (GRCh38, chr6:76,034,723, plus strand): 5'-TTTTCCAATGTCAAAGAGGCAGAAGGTCTCCTGCTGGCAGATGCTGACCCAGTCCTGATA[T>G]TCCCCTGTGTCAGGGATGCGATCCAGAAAGATCCGATATGCTTCCCATACTGCTTCCTGA-3'
Protein context (NP_001554.2, residues 112-132): IFLDRIPDTG[Glu122Asp]YQDWVSICQQ

ClinVar aggregate classification (germline): Uncertain significance. Review status: criteria provided, multiple submitters, no conflicts (2 of 4 stars). 2 submissions from 2 submitters: Uncertain significance (2). Last evaluated 2023-02-09.

Allele frequency attached by ClinVar (database versions not stated): TOPMed 0.00002; gnomAD 0.00003.
gnomAD v4.1: 6 of 1,613,824 alleles (0.00037%); highest among the groups gnomAD compares: African/African-American, 0.0067%; no homozygotes.

Submissions (2):

Ambry Genetics
Classification: Uncertain significance. Last evaluated: 2023-02-09. Review status: criteria provided, single submitter. Criteria: Ambry Variant Classification Scheme 2023. Collection method: clinical testing. Allele origin: germline.

Labcorp Genetics (formerly Invitae), Labcorp
Classification: Uncertain significance. Last evaluated: 2020-03-03. Review status: criteria provided, single submitter. Criteria: Invitae Variant Classification Sherloc (09022015). Collection method: clinical testing. Allele origin: germline.
Comment: In summary, the available evidence is currently insufficient to determine the role of this variant in disease. Therefore, it has been classified as a Variant of Uncertain Significance. Algorithms developed to predict the effect of missense changes on protein structure and function are either unavailable or do not agree on the potential impact of this missense change (SIFT: "Deleterious"; PolyPhen-2: "Probably Damaging"; Align-GVGD: "Class C0"). This variant has not been reported in the literature in individuals with IMPG1-related conditions. This variant is not present in population databases (ExAC no frequency). This sequence change replaces glutamic acid with aspartic acid at codon 122 of the IMPG1 protein (p.Glu122Asp). The glutamic acid residue is highly conserved and there is a small physicochemical difference between glutamic acid and aspartic acid.